The following is an entry in ClinVar:

ClinVar aggregate classification (germline): Pathogenic (1 of 4 stars; one submission).

Conditions:
Familial thoracic aortic aneurysm and aortic dissection (TAAD). Also called: Thoracic aortic aneurysms and dissections. Identifiers: Orphanet 91387, MedGen C4707243, MONDO:0019625.

Submission:

Labcorp Genetics (formerly Invitae), Labcorp
Classification: Pathogenic for Familial thoracic aortic aneurysm and aortic dissection. Last evaluated: 2022-07-25. Review status: criteria provided, single submitter. Criteria: Invitae Variant Classification Sherloc (09022015). Collection method: clinical testing. Allele origin: germline.
Comment: A gross deletion of the genomic region encompassing the full coding sequence of the SMAD3 gene has been identified. Loss-of-function variants in SMAD3 are known to be pathogenic (PMID: 21778426, 24804794). The boundaries of this event are unknown as they extend beyond the assayed region for this gene and therefore may encompass additional genes. This variant has not been reported in the literature in individuals affected with SMAD3-related conditions. For these reasons, this variant has been classified as Pathogenic.

Literature cited by the submitters: PubMed 21778426; PubMed 24804794.

NC_000015.9:g.(?_67358493)_(67546969_?)del

Genes: SMAD3 (SMAD family member 3; plus strand), AAGAB (alpha and gamma adaptin binding protein; minus strand). Cytogenetic location: 15q22.33-23.
Variant type: Deletion.
Identifiers: ClinVar variation 1456118 (VCV001456118.4).